The following is an entry in ClinVar:

ClinVar aggregate classification (germline): Conflicting classifications of pathogenicity. Review status: criteria provided, conflicting classifications (1 of 4 stars). 2 submissions from 2 submitters: Uncertain significance (1); Likely benign (1). Last evaluated 2022-09-06.

Submissions (2):

Labcorp Genetics (formerly Invitae), Labcorp
Classification: Likely benign. Last evaluated: 2022-09-06. Review status: criteria provided, single submitter. Criteria: Invitae Variant Classification Sherloc (09022015). Collection method: clinical testing. Allele origin: germline.

GeneDx
Classification: Uncertain significance. Last evaluated: 2021-09-28. Review status: criteria provided, single submitter. Criteria: GeneDx Variant Classification Process June 2021. Collection method: clinical testing. Allele origin: germline. Affected: yes.
Comment: Has not been previously published as pathogenic or benign to our knowledge; In-frame deletion of 1 amino acid in a non-repeat region; In silico analysis supports a deleterious effect on protein structure/function; Not observed in large population cohorts (Lek et al., 2016)

NM_004958.4(MTOR):c.1713_1715del (p.Thr572del)

Gene: MTOR (mechanistic target of rapamycin kinase; minus strand). Cytogenetic location: 1p36.22.
Variant type: Deletion.
Coding change: c.1713_1715del on transcript NM_004958.4 (MANE Select); coding-DNA positions 1713 to 1715, 3 bases deleted (GAC; older notation c.1713_1715delGAC).
Protein change: p.Thr572del; deletes threonine 572.
Molecular consequence: inframe deletion.
Genome position (GRCh38, 1-based): chr1:11,240,374-11,240,376, GTC deleted on the plus strand (GAC on the coding strand, the reverse complement: MTOR is on the minus strand); deleting any 3 consecutive bases within chr1:11,240,374-11,240,378 gives the same sequence; the c. name uses the placement nearest the transcript's 3' end. VCF-style (leftmost placement, unchanged base first): chr1-11240373-GGTC-G. GRCh37 (hg19) VCF-style: chr1-11300430-GGTC-G.
Other names: c.1713_1715del, p.Thr572del (NM_001386500.1); c.465_467del, p.Thr156del (NM_001386501.1); short protein forms T156del, T572del.
Identifiers: ClinVar variation 1212844 (VCV001212844.10), dbSNP rs1228888866, ClinGen allele CA885584377.